The following continues an entry in ClinVar:

NM_004924.6(ACTN4):c.369C>T (p.Gly123=)

Gene: ACTN4. ClinVar aggregate classification (germline): Benign/Likely benign. Benign (5); Likely benign (3).

Submissions 69 to 80 of 80:

Dr. Peter K. Rogan Lab, Western University
No classification provided (evidence only). Condition: Ovarian serous cystadenocarcinoma. Review status: no classification provided. Collection method: in vitro. Allele origin: not applicable. Functional consequence: retained intron. Not counted in ClinVar's aggregate classification.

Dr. Peter K. Rogan Lab, Western University
No classification provided (evidence only). Condition: Ovarian serous cystadenocarcinoma. Review status: no classification provided. Collection method: in vitro. Allele origin: not applicable. Functional consequence: retained intron. Not counted in ClinVar's aggregate classification.

Dr. Peter K. Rogan Lab, Western University
No classification provided (evidence only). Condition: Ovarian serous cystadenocarcinoma. Review status: no classification provided. Collection method: in vitro. Allele origin: not applicable. Functional consequence: retained intron. Not counted in ClinVar's aggregate classification.

Dr. Peter K. Rogan Lab, Western University
No classification provided (evidence only). Condition: Ovarian serous cystadenocarcinoma. Review status: no classification provided. Collection method: in vitro. Allele origin: not applicable. Functional consequence: retained intron. Not counted in ClinVar's aggregate classification.

Dr. Peter K. Rogan Lab, Western University
No classification provided (evidence only). Condition: Gastric cancer. Review status: no classification provided. Collection method: in vitro. Allele origin: not applicable. Functional consequence: retained intron. Not counted in ClinVar's aggregate classification.

Dr. Peter K. Rogan Lab, Western University
No classification provided (evidence only). Condition: Gastric cancer. Review status: no classification provided. Collection method: in vitro. Allele origin: not applicable. Functional consequence: retained intron. Not counted in ClinVar's aggregate classification.

Dr. Peter K. Rogan Lab, Western University
No classification provided (evidence only). Condition: Gastric cancer. Review status: no classification provided. Collection method: in vitro. Allele origin: not applicable. Functional consequence: retained intron. Not counted in ClinVar's aggregate classification.

Dr. Peter K. Rogan Lab, Western University
No classification provided (evidence only). Condition: Gastric cancer. Review status: no classification provided. Collection method: in vitro. Allele origin: not applicable. Functional consequence: retained intron. Not counted in ClinVar's aggregate classification.

Dr. Peter K. Rogan Lab, Western University
No classification provided (evidence only). Condition: Gastric cancer. Review status: no classification provided. Collection method: in vitro. Allele origin: not applicable. Functional consequence: retained intron. Not counted in ClinVar's aggregate classification.

Dr. Peter K. Rogan Lab, Western University
No classification provided (evidence only). Condition: Gastric cancer. Review status: no classification provided. Collection method: in vitro. Allele origin: not applicable. Functional consequence: retained intron. Not counted in ClinVar's aggregate classification.

Dr. Peter K. Rogan Lab, Western University
No classification provided (evidence only). Condition: Adrenocortical carcinoma, hereditary. Review status: no classification provided. Collection method: in vitro. Allele origin: not applicable. Functional consequence: retained intron. Not counted in ClinVar's aggregate classification.

Dr. Peter K. Rogan Lab, Western University
No classification provided (evidence only). Condition: Adrenocortical carcinoma, hereditary. Review status: no classification provided. Collection method: in vitro. Allele origin: not applicable. Functional consequence: retained intron. Not counted in ClinVar's aggregate classification.